The following is an entry in ClinVar:

NM_000078.3(CETP):c.1215G>T (p.Gln405His)

Gene: CETP (cholesteryl ester transfer protein; plus strand). Cytogenetic location: 16q13.
Variant type: single nucleotide variant.
Coding change: c.1215G>T on transcript NM_000078.3 (MANE Select); coding-DNA position 1215, G replaced by T.
Protein change: p.Gln405His; replaces glutamine 405 with histidine.
Molecular consequence: missense variant.
Genome position (GRCh38, 1-based): chr16:56,981,647, G>T. VCF-style: chr16-56981647-G-T. GRCh37 (hg19) VCF-style: chr16-57015559-G-T.
Other names: c.1035G>T, p.Gln345His (NM_001286085.2); short protein forms Q345H, Q405H.
Identifiers: ClinVar variation 3683236 (VCV003683236.2).

ClinVar aggregate classification (germline): Uncertain significance (1 of 4 stars; one submission).

gnomAD v4.1: 3 of 1,613,922 alleles (0.00019%); highest among the groups gnomAD compares: Non-Finnish European, 0.00025%; no homozygotes.

Submission:

Labcorp Genetics (formerly Invitae), Labcorp
Classification: Uncertain significance. Last evaluated: 2024-12-10. Review status: criteria provided, single submitter. Criteria: Invitae Variant Classification Sherloc (09022015). Collection method: clinical testing. Allele origin: germline.
Comment: This sequence change replaces glutamine, which is neutral and polar, with histidine, which is basic and polar, at codon 405 of the CETP protein (p.Gln405His). This variant is not present in population databases (gnomAD no frequency). This variant has not been reported in the literature in individuals affected with CETP-related conditions. An algorithm developed to predict the effect of missense changes on protein structure and function outputs the following: PolyPhen-2: "Benign". The histidine amino acid residue is found in multiple mammalian species, which suggests that this missense change does not adversely affect protein function. Algorithms developed to predict the effect of sequence changes on RNA splicing suggest that this variant may disrupt the consensus splice site. In summary, the available evidence is currently insufficient to determine the role of this variant in disease. Therefore, it has been classified as a Variant of Uncertain Significance.